The following is an entry in ClinVar:

ClinVar aggregate classification (germline): Likely pathogenic (1 of 4 stars; one submission).

Submission:

Labcorp Genetics (formerly Invitae), Labcorp
Classification: Likely pathogenic. Last evaluated: 2024-08-13. Review status: criteria provided, single submitter. Criteria: Invitae Variant Classification Sherloc (09022015). Collection method: clinical testing. Allele origin: germline.
Comment: This sequence change affects a donor splice site in intron 11 of the ADAMTS10 gene. It is expected to disrupt RNA splicing. Variants that disrupt the donor or acceptor splice site typically lead to a loss of protein function (PMID: 16199547), and loss-of-function variants in ADAMTS10 are known to be pathogenic (PMID: 15368195, 18567016). This variant is not present in population databases (gnomAD no frequency). This variant has not been reported in the literature in individuals affected with ADAMTS10-related conditions. Algorithms developed to predict the effect of sequence changes on RNA splicing suggest that this variant may disrupt the consensus splice site. In summary, the currently available evidence indicates that the variant is pathogenic, but additional data are needed to prove that conclusively. Therefore, this variant has been classified as Likely Pathogenic.

Literature cited by the submitters: PubMed 16199547; PubMed 15368195; PubMed 18567016.

NM_030957.4(ADAMTS10):c.1337+2T>G

Gene: ADAMTS10 (ADAM metallopeptidase with thrombospondin type 1 motif 10; minus strand). Cytogenetic location: 19p13.2.
Variant type: single nucleotide variant.
Coding change: c.1337+2T>G on transcript NM_030957.4 (MANE Select); the canonical splice donor site of the intron after coding-DNA position 1337, T replaced by G.
Molecular consequence: splice donor variant.
Genome position (GRCh38, 1-based): chr19:8,596,071, A>C on the plus strand (T>G on the coding strand, the complement: ADAMTS10 is on the minus strand). VCF-style: chr19-8596071-A-C. GRCh37 (hg19) VCF-style: chr19-8660955-A-C.
Identifiers: ClinVar variation 3662239 (VCV003662239.2).